The following is an entry in ClinVar:

ClinVar aggregate classification (germline): Likely benign. Review status: criteria provided, multiple submitters, no conflicts (2 of 4 stars). 2 submissions from 2 submitters: Likely benign (2). Last evaluated 2025-12-11.

Conditions:
PLEC-related disorder. Also called: PLEC-related condition; PLEC-related disorders.
Epidermolysis bullosa simplex, Ogna type (EBS5A). Also called: Pidermolysis bullosa simplex 5A, Ogna type; EPIDERMOLYSIS BULLOSA SIMPLEX 5A, OGNA TYPE. Identifiers: Orphanet 79401, MedGen C0432317, MONDO:0007555, OMIM 131950.
Autosomal recessive limb-girdle muscular dystrophy type 2Q (LGMDR17). Also called: MUSCULAR DYSTROPHY, LIMB-GIRDLE, AUTOSOMAL RECESSIVE 17. Identifiers: Orphanet 254361, MedGen C3150989, MONDO:0013390, OMIM 613723.
Epidermolysis bullosa simplex with nail dystrophy (EBS5D). Identifiers: MedGen C4225309, MONDO:0014661, OMIM 616487.
Epidermolysis bullosa simplex 5C, with pyloric atresia (EBS5C). Also called: PLEC-Related Epidermolysis Bullosa with Pyloric Atresia; Epidermolysis bullosa simplex with pyloric atresia; PLEC1-Related Epidermolysis Bullosa with Pyloric Atresia. Identifiers: Orphanet 158684, MedGen C2677349, MONDO:0012807, OMIM 612138.
Epidermolysis bullosa simplex 5B, with muscular dystrophy (EBS5B). Also called: Epidermolysis bullosa simplex with muscular dystrophy; EPIDERMOLYSIS BULLOSA SIMPLEX AND LIMB-GIRDLE MUSCULAR DYSTROPHY. Identifiers: Orphanet 257, MedGen C2931072, MONDO:0009181, OMIM 226670.

Allele frequency attached by ClinVar (database versions not stated): gnomAD exomes below 0.00001; gnomAD 0.00001; TOPMed 0.00002.
gnomAD v4.1: 2 of 1,613,476 alleles (0.00012%); highest among the groups gnomAD compares: Admixed American, 0.0033%; no homozygotes.

Submissions (2):

PreventionGenetics, part of Exact Sciences
Classification: Likely benign for PLEC-related condition. Last evaluated: 2025-12-11. Review status: criteria provided, single submitter. Criteria: ACMG Guidelines, 2015. Collection method: clinical testing. Allele origin: germline.
Comment: This variant is classified as likely benign based on ACMG/AMP sequence variant interpretation guidelines (Richards et al. 2015 PMID: 25741868, with internal and published modifications).

Labcorp Genetics (formerly Invitae), Labcorp
Classification: Likely benign for Autosomal recessive limb-girdle muscular dystrophy type 2Q; Epidermolysis bullosa simplex, Ogna type; Epidermolysis bullosa simplex with nail dystrophy; Epidermolysis bullosa simplex 5C, with pyloric atresia; Epidermolysis bullosa simplex 5B, with muscular dystrophy. Last evaluated: 2024-01-10. Review status: criteria provided, single submitter. Criteria: Invitae Variant Classification Sherloc (09022015). Collection method: clinical testing. Allele origin: germline.

NM_201384.3(PLEC):c.8463C>T (p.Ser2821=)

Gene: PLEC (plectin; minus strand). Cytogenetic location: 8q24.3.
Variant type: single nucleotide variant.
Coding change: c.8463C>T on transcript NM_201384.3 (MANE Select); coding-DNA position 8463, C replaced by T.
Protein change: p.Ser2821=; no amino-acid change (serine 2821 retained).
Molecular consequence: synonymous variant.
Genome position (GRCh38, 1-based): chr8:143,921,358, G>A on the plus strand (C>T on the coding strand, the complement: PLEC is on the minus strand). VCF-style: chr8-143921358-G-A. GRCh37 (hg19) VCF-style: chr8-144995526-G-A.
Other names: c.8544C>T (NM_000445.4); c.8475C>T, p.Ser2825= (NM_201383.3); c.8544C>T, p.Ser2848= (NM_000445.5); c.5163C>T, p.Ser1721= (NM_001410941.1); c.8421C>T, p.Ser2807= (NM_201378.4); c.8397C>T, p.Ser2799= (NM_201379.3); c.8874C>T, p.Ser2958= (NM_201380.4); c.8367C>T, p.Ser2789= (NM_201381.3); and 1 more.
Identifiers: ClinVar variation 2940459 (VCV002940459.4), dbSNP rs1436190264, ClinGen allele CA463532026.